The following is an entry in ClinVar:

NM_198253.3(TERT):c.2190C>T (p.Ala730=)

Gene: TERT (telomerase reverse transcriptase; minus strand). Cytogenetic location: 5p15.33.
Variant type: single nucleotide variant.
Coding change: c.2190C>T on transcript NM_198253.3 (MANE Select); coding-DNA position 2190, C replaced by T.
Protein change: p.Ala730=; no amino-acid change (alanine 730 retained).
Molecular consequence: synonymous variant. On other transcripts: non-coding transcript variant (2).
Genome position (GRCh38, 1-based): chr5:1,278,737, G>A on the plus strand (C>T on the coding strand, the complement: TERT is on the minus strand). VCF-style: chr5-1278737-G-A. GRCh37 (hg19) VCF-style: chr5-1278852-G-A.
Other names: c.2190C>T, p.Ala730= (NM_001193376.3).
Identifiers: ClinVar variation 416315 (VCV000416315.24), dbSNP rs138128892, ClinGen allele CA3184628.

ClinVar aggregate classification (germline): Likely benign. Review status: criteria provided, multiple submitters, no conflicts (2 of 4 stars). 5 submissions from 5 submitters: Likely benign (5). Last evaluated 2025-09-16.

Conditions:
Idiopathic Pulmonary Fibrosis. Also called: Idiopathic fibrosing alveolitis, chronic form; idiopathic fibrosing alveolitis. Identifiers: Orphanet 2032, MedGen C1800706, MeSH D054990, MONDO:0800504.
Dyskeratosis congenita, autosomal dominant 2. Identifiers: MedGen C3151443, MONDO:0013521, OMIM 613989.
Aplastic anemia. Identifiers: Orphanet 182040, Orphanet 88, MedGen C0002874, MONDO:0015909, OMIM 609135, HP:0001915.
Interstitial lung disease 2 (ILD2). Also called: FIBROCYSTIC PULMONARY DYSPLASIA; FIBROSING ALVEOLITIS, CRYPTOGENIC; Familial idiopathic pulmonary fibrosis. Identifiers: Orphanet 2032, Orphanet 79126, MedGen C5561926, MONDO:0800497, OMIM 178500, MONDO:0800029.
Pulmonary fibrosis and/or bone marrow failure, Telomere-related, 1. Also called: PULMONARY FIBROSIS AND/OR BONE MARROW FAILURE SYNDROME, TELOMERE-RELATED, 1. Identifiers: Orphanet 88, MedGen C3553617, MONDO:0013878, OMIM 614742.
Melanoma, cutaneous malignant, susceptibility to, 9. Also called: Cutaneous malignant melanoma 9. Identifiers: Orphanet 618, MedGen C3554574, MONDO:0014056, OMIM 615134.
Acute myeloid leukemia (AML). Also called: Leukemia, acute myeloid, somatic; Acute myeloid leukemia, adult; AML adult; Acute non-lymphocytic leukemia; Acute granulocytic leukemia; Leukemia, acute myelogenous, somatic. Identifiers: Orphanet 519, MedGen C0023467, MeSH D015470, MONDO:0018874, OMIM 601626, HP:0004808. Disease mechanism: Constitutively activated FLT3.
Dyskeratosis congenita, autosomal dominant 1 (DKCA1). Also called: Dyskeratosis congenita Scoggins type. Identifiers: Orphanet 1775, MedGen C4551974, MONDO:0007485, OMIM 127550. Inheritance: Variable.
Dyskeratosis congenita. Identifiers: Orphanet 1775, MedGen C0265965, MONDO:0015780.

Allele frequency attached by ClinVar (database versions not stated): gnomAD 0.00003; TOPMed 0.00003; ExAC 0.00004; gnomAD exomes 0.00005 and 0.00008; ESP Exome Variant Server 0.00008.
gnomAD v4.1: 121 of 1,614,080 alleles (0.0075%); highest among the groups gnomAD compares: Non-Finnish European, 0.0097%; no homozygotes.

Submissions (5):

Labcorp Genetics (formerly Invitae), Labcorp
Classification: Likely benign for Dyskeratosis congenita, autosomal dominant 2; Idiopathic Pulmonary Fibrosis. Last evaluated: 2025-09-16. Review status: criteria provided, single submitter. Criteria: Invitae Variant Classification Sherloc (09022015). Collection method: clinical testing. Allele origin: germline.

CeGaT Center for Human Genetics Tuebingen
Classification: Likely benign. Last evaluated: 2025-08-01. Review status: criteria provided, single submitter. Criteria: CeGaT Center For Human Genetics Tuebingen Variant Classification Criteria Version 2. Collection method: clinical testing. Allele origin: germline. Affected: yes. Observed: 1 variant allele.
Comment: TERT: BP4, BP7

Fulgent Genetics
Classification: Likely benign for Dyskeratosis congenita, autosomal dominant 1; Interstitial lung disease 2; Acute myeloid leukemia; Aplastic anemia; Dyskeratosis congenita, autosomal dominant 2; Pulmonary fibrosis and/or bone marrow failure, Telomere-related, 1; Melanoma, cutaneous malignant, susceptibility to, 9. Last evaluated: 2022-03-03. Review status: criteria provided, single submitter. Criteria: ACMG Guidelines, 2015. Collection method: clinical testing. Allele origin: unknown.

Ambry Genetics
Classification: Likely benign for Dyskeratosis congenita. Last evaluated: 2022-02-14. Review status: criteria provided, single submitter. Criteria: Ambry Variant Classification Scheme 2023. Collection method: clinical testing. Allele origin: germline.

Blueprint Genetics
Classification: Likely benign. Last evaluated: 2022-01-24. Review status: criteria provided, single submitter. Criteria: ACMG Guidelines, 2015. Collection method: clinical testing. Allele origin: germline.